The following is an entry in ClinVar:

ClinVar aggregate classification (germline): Uncertain significance (1 of 4 stars; one submission).

Conditions:
Hereditary cancer-predisposing syndrome. Also called: Neoplastic Syndromes, Hereditary; Tumor predisposition; Hereditary neoplastic syndrome; Hereditary Cancer Syndrome. Identifiers: Orphanet 140162, MedGen C0027672, MeSH D009386, MONDO:0015356.

Submission:

Ambry Genetics
Classification: Uncertain significance for Hereditary cancer-predisposing syndrome. Last evaluated: 2026-08-21. Review status: criteria provided, single submitter. Criteria: Ambry Variant Classification Scheme 2023. Collection method: clinical testing. Allele origin: germline.
Comment: The p.T351N variant (also known as c.1052C>A), located in coding exon 11 of the BAP1 gene, results from a C to A substitution at nucleotide position 1052. The threonine at codon 351 is replaced by asparagine, an amino acid with similar properties. This amino acid position is conserved. In addition, this alteration is predicted to be tolerated by in silico analysis. Based on the available evidence, the clinical significance of this variant remains unclear.

NM_004656.4(BAP1):c.1052C>A (p.Thr351Asn)

Gene: BAP1 (BRCA1 associated deubiquitinase 1; minus strand). Cytogenetic location: 3p21.1.
Variant type: single nucleotide variant.
Coding change: c.1052C>A on transcript NM_004656.4 (MANE Select); coding-DNA position 1052, C replaced by A.
Protein change: p.Thr351Asn; replaces threonine 351 with asparagine.
Molecular consequence: missense variant.
Genome position (GRCh38, 1-based): chr3:52,405,174, G>T on the plus strand (C>A on the coding strand, the complement: BAP1 is on the minus strand). VCF-style: chr3-52405174-G-T. GRCh37 (hg19) VCF-style: chr3-52439190-G-T.
Other names: c.998C>A, p.Thr333Asn (NM_001410772.1); short protein forms T351N, T333N.
Identifiers: ClinVar variation 5032752 (VCV005032752.1).